The following is an entry in ClinVar:

NM_020812.4(DOCK6):c.5894G>A (p.Arg1965Gln)

Gene: DOCK6 (dedicator of cytokinesis 6; minus strand). Cytogenetic location: 19p13.2.
Variant type: single nucleotide variant.
Coding change: c.5894G>A on transcript NM_020812.4 (MANE Select); coding-DNA position 5894, G replaced by A.
Protein change: p.Arg1965Gln; replaces arginine 1965 with glutamine.
Molecular consequence: missense variant.
Genome position (GRCh38, 1-based): chr19:11,200,761, C>T on the plus strand (G>A on the coding strand, the complement: DOCK6 is on the minus strand). VCF-style: chr19-11200761-C-T. GRCh37 (hg19) VCF-style: chr19-11311437-C-T.
Other names: c.5999G>A, p.Arg2000Gln (NM_001367830.1); short protein forms R2000Q, R1965Q.
Identifiers: ClinVar variation 1933391 (VCV001933391.6), dbSNP rs766894749, ClinGen allele CA9206307.

ClinVar aggregate classification (germline): Uncertain significance. Review status: criteria provided, multiple submitters, no conflicts (2 of 4 stars). 2 submissions from 2 submitters: Uncertain significance (2). Last evaluated 2025-02-24.

Allele frequency attached by ClinVar (database versions not stated): ExAC 0.00002; gnomAD exomes 0.00001; TOPMed below 0.00001.
gnomAD v4.1: 14 of 1,613,644 alleles (0.00087%); highest among the groups gnomAD compares: Admixed American, 0.0033%; no homozygotes.

Submissions (2):

Dasa
Classification: Uncertain significance. Last evaluated: 2025-02-24. Review status: criteria provided, single submitter. Criteria: DASA Assertion Criteria. Collection method: clinical testing. Allele origin: germline.
Comment: NM_020812.4(DOCK6):c.5894G>A (p.Arg1965Gln) is a missense variant that results in the substitution of arginine with glutamine. This variant is rare in population databases. Computational prediction algorithms are consistent with a benign effect. The currently available literature and clinical evidence are not sufficient to establish a definitive association between this variant and the reported condition. Therefore, this variant is classified as a variant of uncertain significance.

Labcorp Genetics (formerly Invitae), Labcorp
Classification: Uncertain significance. Last evaluated: 2024-10-29. Review status: criteria provided, single submitter. Criteria: Invitae Variant Classification Sherloc (09022015). Collection method: clinical testing. Allele origin: germline.
Comment: This sequence change replaces arginine, which is basic and polar, with glutamine, which is neutral and polar, at codon 1965 of the DOCK6 protein (p.Arg1965Gln). This variant is present in population databases (rs766894749, gnomAD 0.006%). This variant has not been reported in the literature in individuals affected with DOCK6-related conditions. ClinVar contains an entry for this variant (Variation ID: 1933391). Invitae Evidence Modeling of protein sequence and biophysical properties (such as structural, functional, and spatial information, amino acid conservation, physicochemical variation, residue mobility, and thermodynamic stability) indicates that this missense variant is not expected to disrupt DOCK6 protein function with a negative predictive value of 80%. In summary, the available evidence is currently insufficient to determine the role of this variant in disease. Therefore, it has been classified as a Variant of Uncertain Significance.